The following is an entry in ClinVar:

ClinVar aggregate classification (germline): Likely benign (1 of 4 stars; one submission).

Conditions:
Joubert syndrome 15 (JBTS15). Identifiers: Orphanet 475, MedGen C3280897, MONDO:0013763, OMIM 614464.

Allele frequency attached by ClinVar (database versions not stated): ExAC 0.00019; gnomAD exomes 0.00031 and 0.00060; gnomAD 0.00267 and 0.00286; TOPMed 0.00315; 1000 Genomes Project 0.00319; 1000 Genomes Project 30x 0.00344.
gnomAD v4.1: 496 of 454,052 alleles (0.11%); highest among the groups gnomAD compares: African/African-American, 0.92%; 4 homozygotes.

Submission:

Illumina Laboratory Services, Illumina
Classification: Likely benign for Joubert syndrome 15. Last evaluated: 2018-01-12. Review status: criteria provided, single submitter. Criteria: ICSL Variant Classification Criteria 13 December 2019. Collection method: clinical testing. Allele origin: germline.
Comment: This variant was observed in the ICSL laboratory as part of a predisposition screen in an ostensibly healthy population. It had not been previously curated by ICSL or reported in the Human Gene Mutation Database (HGMD: prior to June 1st, 2018), and was therefore a candidate for classification through an automated scoring system. Utilizing variant allele frequency, disease prevalence and penetrance estimates, and inheritance mode, an automated score was calculated to assess if this variant is too frequent to cause the disease. Based on the score and internal cut-off values, a variant classified as likely benign is not then subjected to further curation. The score for this variant resulted in a classification of likely benign for this disease.

NM_018718.3(CEP41):c.*4314T>C

Gene: CEP41 (centrosomal protein 41; minus strand). Cytogenetic location: 7q32.2.
Variant type: single nucleotide variant.
Coding change: c.*4314T>C on transcript NM_018718.3 (MANE Select); 4314 bases downstream of the stop codon, T replaced by C.
Molecular consequence: 3 prime UTR variant. On other transcripts: non-coding transcript variant (1).
Genome position (GRCh38, 1-based): chr7:130,394,577, A>G on the plus strand (T>C on the coding strand, the complement: CEP41 is on the minus strand). VCF-style: chr7-130394577-A-G. GRCh37 (hg19) VCF-style: chr7-130034418-A-G.
Other names: c.*4314T>C (NM_001257158.2, NM_001257159.2).
Identifiers: ClinVar variation 358895 (VCV000358895.5), dbSNP rs114939029, ClinGen allele CA4485135.